The following is an entry in ClinVar:

NM_017570.5(OPLAH):c.1432C>T (p.His478Tyr)

Gene: OPLAH (5-oxoprolinase, ATP-hydrolysing; minus strand). Cytogenetic location: 8q24.3.
Variant type: single nucleotide variant.
Coding change: c.1432C>T on transcript NM_017570.5 (MANE Select); coding-DNA position 1432, C replaced by T.
Protein change: p.His478Tyr; replaces histidine 478 with tyrosine.
Molecular consequence: missense variant.
Genome position (GRCh38, 1-based): chr8:144,057,311, G>A on the plus strand (C>T on the coding strand, the complement: OPLAH is on the minus strand). VCF-style: chr8-144057311-G-A. GRCh37 (hg19) VCF-style: chr8-145112214-G-A.
Other names: short protein forms H478Y.
Identifiers: ClinVar variation 4822737 (VCV004822737.4).

ClinVar aggregate classification (germline): Uncertain significance (1 of 4 stars; one submission).

Submission:

CeGaT Center for Human Genetics Tuebingen
Classification: Uncertain significance. Last evaluated: 2026-03-01. Review status: criteria provided, single submitter. Criteria: CeGaT Center For Human Genetics Tuebingen Variant Classification Criteria Version 2. Collection method: clinical testing. Allele origin: germline. Affected: yes. Observed: 1 variant allele.
Comment: OPLAH: PM2